The following is an entry in ClinVar:

ClinVar aggregate classification (germline): Likely benign (1 of 4 stars; one submission).

Allele frequency attached by ClinVar (database versions not stated): ExAC 0.00001; gnomAD 0.00001; TOPMed 0.00001; ESP Exome Variant Server 0.00008.

Submission:

CeGaT Center for Human Genetics Tuebingen
Classification: Likely benign. Last evaluated: 2023-03-01. Review status: criteria provided, single submitter. Criteria: CeGaT Center For Human Genetics Tuebingen Variant Classification Criteria Version 2. Collection method: clinical testing. Allele origin: germline. Affected: yes. Observed: 1 variant allele.
Comment: IRF2BPL: BP4, BP7

NM_024496.4(IRF2BPL):c.1059C>T (p.Ala353=)

Gene: IRF2BPL (interferon regulatory factor 2 binding protein like; minus strand). Cytogenetic location: 14q24.3.
Variant type: single nucleotide variant.
Coding change: c.1059C>T on transcript NM_024496.4 (MANE Select); coding-DNA position 1059, C replaced by T.
Protein change: p.Ala353=; no amino-acid change (alanine 353 retained).
Molecular consequence: synonymous variant.
Genome position (GRCh38, 1-based): chr14:77,026,734, G>A on the plus strand (C>T on the coding strand, the complement: IRF2BPL is on the minus strand). VCF-style: chr14-77026734-G-A. GRCh37 (hg19) VCF-style: chr14-77493077-G-A.
Identifiers: ClinVar variation 2644391 (VCV002644391.24), dbSNP rs375272307, ClinGen allele CA7283761.
Genomic context (GRCh38, chr14:77,026,734, plus strand): 5'-CTTGGGCTTGCTGGCCCACTCCTCGGCGCGGTTGCGCAGGCTCTCGCTCAGCTCGGCCAG[G>A]GCCTCGGCGTTGCGCTGCTTCTCCTTCAACTCGCGCTCCTGGTCTGTGCTCGACACCGAG-3'
Protein context (NP_078772.1, residues 343-363): ELKEKQRNAE[Ala353=]LAELSESLRN